The following is an entry in ClinVar:

ClinVar aggregate classification (germline): Uncertain significance. Review status: criteria provided, multiple submitters, no conflicts (2 of 4 stars). 2 submissions from 2 submitters: Uncertain significance (2). Last evaluated 2024-08-10.

Conditions:
Inborn genetic diseases. Identifiers: MedGen C0950123, MeSH D030342.

Allele frequency attached by ClinVar (database versions not stated): ESP Exome Variant Server 0.00008.
gnomAD v4.1: 8 of 1,614,020 alleles (0.0005%); highest among the groups gnomAD compares: African/African-American, 0.0093%; no homozygotes.

Submissions (2):

Ambry Genetics
Classification: Uncertain significance for Inborn genetic diseases. Last evaluated: 2024-08-10. Review status: criteria provided, single submitter. Criteria: Ambry Variant Classification Scheme 2023. Collection method: clinical testing. Allele origin: germline.

Labcorp Genetics (formerly Invitae), Labcorp
Classification: Uncertain significance. Last evaluated: 2023-08-23. Review status: criteria provided, single submitter. Criteria: Invitae Variant Classification Sherloc (09022015). Collection method: clinical testing. Allele origin: germline.
Comment: In summary, the available evidence is currently insufficient to determine the role of this variant in disease. Therefore, it has been classified as a Variant of Uncertain Significance. Advanced modeling of protein sequence and biophysical properties (such as structural, functional, and spatial information, amino acid conservation, physicochemical variation, residue mobility, and thermodynamic stability) performed at Invitae indicates that this missense variant is not expected to disrupt COL27A1 protein function. This variant has not been reported in the literature in individuals affected with COL27A1-related conditions. This variant is present in population databases (rs148165104, gnomAD 0.02%). This sequence change replaces alanine, which is neutral and non-polar, with threonine, which is neutral and polar, at codon 1540 of the COL27A1 protein (p.Ala1540Thr).

NM_032888.4(COL27A1):c.4618G>A (p.Ala1540Thr)

Gene: COL27A1 (collagen type XXVII alpha 1 chain; plus strand). Cytogenetic location: 9q32.
Variant type: single nucleotide variant.
Coding change: c.4618G>A on transcript NM_032888.4 (MANE Select); coding-DNA position 4618, G replaced by A.
Protein change: p.Ala1540Thr; replaces alanine 1540 with threonine.
Molecular consequence: missense variant.
Genome position (GRCh38, 1-based): chr9:114,300,103, G>A. VCF-style: chr9-114300103-G-A. GRCh37 (hg19) VCF-style: chr9-117062383-G-A.
Other names: c.4618G>A (NM_032888.2); short protein forms A1540T.
Identifiers: ClinVar variation 2886154 (VCV002886154.4), dbSNP rs148165104, ClinGen allele CA198619110.
Genomic context (GRCh38, chr9:114,300,103, plus strand): 5'-CTCCATCACTTCCTGTTCTTCCTGCAGGGCGACTCTGGCGAGATGGGCTTCCCAGGAATG[G>A]CAGGTCTCTTCGGACCCAAGGTATGGACTCCCACGGCTCACTGTTCCTGTGGGGTCCCAT-3'
Protein context (NP_116277.2, residues 1530-1550): DSGEMGFPGM[Ala1540Thr]GLFGPKGPPG